The following is an entry in ClinVar:

ClinVar aggregate classification (germline): Likely benign (1 of 4 stars; one submission).

Allele frequency attached by ClinVar (database versions not stated): gnomAD exomes 0.00010; ExAC 0.00037; gnomAD 0.00072; 1000 Genomes Project 30x 0.00078; 1000 Genomes Project 0.00080; TOPMed 0.00083.
gnomAD v4.1: 170 of 738,712 alleles (0.023%); highest among the groups gnomAD compares: African/African-American, 0.25%; no homozygotes.

Submission:

CeGaT Center for Human Genetics Tuebingen
Classification: Likely benign. Last evaluated: 2023-01-01. Review status: criteria provided, single submitter. Criteria: CeGaT Center For Human Genetics Tuebingen Variant Classification Criteria Version 2. Collection method: clinical testing. Allele origin: germline. Affected: yes. Observed: 1 variant allele.
Comment: TUBB3: BS1

NM_006086.4(TUBB3):c.277+155G>A

Gene: TUBB3 (tubulin beta 3 class III; plus strand). Cytogenetic location: 16q24.3.
Variant type: single nucleotide variant.
Coding change: c.277+155G>A on transcript NM_006086.4 (MANE Select); 155 bases into the intron after coding-DNA position 277, G replaced by A.
Molecular consequence: intron variant.
Genome position (GRCh38, 1-based): chr16:89,933,733, G>A. VCF-style: chr16-89933733-G-A. GRCh37 (hg19) VCF-style: chr16-90000141-G-A.
Other names: c.61+155G>A (NM_001197181.2).
Identifiers: ClinVar variation 2647146 (VCV002647146.24), dbSNP rs551983164, ClinGen allele CA8256050.